The following is an entry in ClinVar:

ClinVar aggregate classification (germline): Likely benign (0 of 4 stars; one submission).

Conditions:
PLXNA3-related disorder. Also called: PLXNA3-related condition.

Allele frequency attached by ClinVar (database versions not stated): gnomAD 0.00005; ExAC 0.00006; TOPMed 0.00008; gnomAD exomes 0.00009.
gnomAD v4.1: 104 of 1,208,663 alleles (0.0086%); highest among the groups gnomAD compares: Middle Eastern, 0.023%; no homozygotes.

Submission:

PreventionGenetics, part of Exact Sciences
Classification: Likely benign for PLXNA3-related condition. Last evaluated: 2021-05-19. Review status: no assertion criteria provided. Collection method: clinical testing. Allele origin: germline.
Comment: This variant is classified as likely benign based on ACMG/AMP sequence variant interpretation guidelines (Richards et al. 2015 PMID: 25741868, with internal and published modifications).

NM_017514.5(PLXNA3):c.3232C>T (p.Leu1078=)

Gene: PLXNA3 (plexin A3; plus strand). Cytogenetic location: Xq28.
Variant type: single nucleotide variant.
Coding change: c.3232C>T on transcript NM_017514.5 (MANE Select); coding-DNA position 3232, C replaced by T.
Protein change: p.Leu1078=; no amino-acid change (leucine 1078 retained).
Molecular consequence: synonymous variant.
Genome position (GRCh38, 1-based): chrX:154,467,262, C>T. VCF-style: chrX-154467262-C-T. GRCh37 (hg19) VCF-style: chrX-153695605-C-T.
Identifiers: ClinVar variation 3048580 (VCV003048580.2), dbSNP rs782021071, ClinGen allele CA10564592.